The following is an entry in ClinVar:

NM_001111125.3(IQSEC2):c.3695C>T (p.Ser1232Phe)

Gene: IQSEC2 (IQ motif and Sec7 domain ArfGEF 2; minus strand). Cytogenetic location: Xp11.22.
Variant type: single nucleotide variant.
Coding change: c.3695C>T on transcript NM_001111125.3 (MANE Select); coding-DNA position 3695, C replaced by T.
Protein change: p.Ser1232Phe; replaces serine 1232 with phenylalanine.
Molecular consequence: missense variant. On other transcripts: 3 prime UTR variant (2).
Genome position (GRCh38, 1-based): chrX:53,234,991, G>A on the plus strand (C>T on the coding strand, the complement: IQSEC2 is on the minus strand). VCF-style: chrX-53234991-G-A. GRCh37 (hg19) VCF-style: chrX-53264173-G-A.
Other names: c.*180C>T (NM_001410736.1, NM_015075.2); short protein forms S1232F.
Identifiers: ClinVar variation 3698970 (VCV003698970.2).

ClinVar aggregate classification (germline): Uncertain significance (1 of 4 stars; one submission).

Conditions:
Intellectual developmental disorder, X-linked 1. Also called: Atkin Flaitz Patil Smith syndrome; MENTAL RETARDATION, X-LINKED 18; MENTAL RETARDATION, X-LINKED 78; Intellectual disability, X-linked 1. Identifiers: Orphanet 777, MedGen C2931498, MONDO:0010656, OMIM 309530.

Submission:

Labcorp Genetics (formerly Invitae), Labcorp
Classification: Uncertain significance for Intellectual developmental disorder, X-linked 1. Last evaluated: 2024-06-15. Review status: criteria provided, single submitter. Criteria: Invitae Variant Classification Sherloc (09022015). Collection method: clinical testing. Allele origin: germline.
Comment: This sequence change replaces serine, which is neutral and polar, with phenylalanine, which is neutral and non-polar, at codon 1232 of the IQSEC2 protein (p.Ser1232Phe). This variant is not present in population databases (gnomAD no frequency). This variant has not been reported in the literature in individuals affected with IQSEC2-related conditions. Advanced modeling of protein sequence and biophysical properties (such as structural, functional, and spatial information, amino acid conservation, physicochemical variation, residue mobility, and thermodynamic stability) performed at Invitae indicates that this missense variant is not expected to disrupt IQSEC2 protein function with a negative predictive value of 95%. In summary, the available evidence is currently insufficient to determine the role of this variant in disease. Therefore, it has been classified as a Variant of Uncertain Significance.